The following is an entry in ClinVar:

ClinVar aggregate classification (germline): Benign/Likely benign. Review status: criteria provided, multiple submitters, no conflicts (2 of 4 stars). 27 submissions from 25 submitters: Benign (12); Likely benign (7). 8 of the submissions do not count toward it. Last evaluated 2026-08-01.

Conditions:
Familial thoracic aortic aneurysm and aortic dissection (TAAD). Also called: Thoracic aortic aneurysms and dissections. Identifiers: Orphanet 91387, MedGen C4707243, MONDO:0019625.
Hereditary cancer-predisposing syndrome. Also called: Neoplastic Syndromes, Hereditary; Hereditary neoplastic syndrome; Hereditary Cancer Syndrome; Tumor predisposition. Identifiers: Orphanet 140162, MedGen C0027672, MeSH D009386, MONDO:0015356.
Juvenile polyposis syndrome (JPS). Identifiers: Orphanet 2929, MedGen C0345893, MONDO:0017380, OMIM 174900.
Myhre syndrome (MYHRS). Also called: LARYNGOTRACHEAL STENOSIS, ARTHROPATHY, PROGNATHISM, AND SHORT STATURE; LAPS SYNDROME. Identifiers: Orphanet 2588, MedGen C0796081, MONDO:0007688, OMIM 139210.
Juvenile polyposis/hereditary hemorrhagic telangiectasia syndrome (JPHT). Also called: Juvenile Polyposis Syndrome / Hereditary Hemorrhagic Telangiectasia (JPS/HHT); TELANGIECTASIA, HEREDITARY HEMORRHAGIC, WITH JUVENILE POLYPOSIS COLI; JP/HHT SYNDROME; JUVENILE POLYPOSIS WITH HEREDITARY HEMORRHAGIC TELANGIECTASIA; POLYPOSIS, GENERALIZED JUVENILE, WITH PULMONARY ARTERIOVENOUS MALFORMATION. Identifiers: Orphanet 2929, MedGen C1832942, MONDO:0008278, OMIM 175050.
Generalized juvenile polyposis/juvenile polyposis coli. Also called: Juvenile polyposis coli. Identifiers: Orphanet 329971, MedGen C1868081, MONDO:0008276.
Carcinoma of colon (CRC). Also called: Colon carcinoma; Colonic carcinoma. Identifiers: MedGen C0699790, MONDO:0002032.

Allele frequency attached by ClinVar (database versions not stated): TOPMed 0.00218; ExAC 0.00273; gnomAD exomes 0.00389 and 0.00276; ESP Exome Variant Server 0.00323; 1000 Genomes Project 0.00100; gnomAD 0.00257 and 0.00268; 1000 Genomes Project 30x 0.00094.
gnomAD v4.1: 6,003 of 1,613,918 alleles (0.37%); highest among the groups gnomAD compares: Non-Finnish European, 0.46%; 17 homozygotes.

Submissions 1 to 22 of 27:

CeGaT Center for Human Genetics Tuebingen
Classification: Likely benign. Last evaluated: 2026-08-01. Review status: criteria provided, single submitter. Criteria: CeGaT Center For Human Genetics Tuebingen Variant Classification Criteria Version 2. Collection method: clinical testing. Allele origin: germline. Affected: yes. Observed: 67 variant alleles.
Comment: SMAD4: BP4, BP7, BS2

Labcorp Genetics (formerly Invitae), Labcorp
Classification: Benign for Juvenile polyposis syndrome. Last evaluated: 2026-02-04. Review status: criteria provided, single submitter. Criteria: Invitae Variant Classification Sherloc (09022015). Collection method: clinical testing. Allele origin: germline.

ARUP Laboratories, Molecular Genetics and Genomics, ARUP Laboratories
Classification: Benign. Last evaluated: 2025-07-10. Review status: criteria provided, single submitter. Criteria: ARUP Molecular Germline Variant Investigation Process 2024. Collection method: clinical testing. Allele origin: germline.

Molecular Diagnostic Laboratory for Inherited Cardiovascular Disease, Montreal Heart Institute
Classification: Benign. Last evaluated: 2025-04-09. Review status: criteria provided, single submitter. Criteria: ACMG Guidelines, 2015. Collection method: clinical testing. Allele origin: germline. Affected: no.
Comment: BS1;BP6;BP7

Myriad Genetics, Inc.
Classification: Benign for Juvenile polyposis/hereditary hemorrhagic telangiectasia syndrome. Last evaluated: 2025-03-18. Review status: criteria provided, single submitter. Criteria: Myriad Autosomal Dominant, Autosomal Recessive and X-Linked Classification Criteria (2023). Collection method: clinical testing. Allele origin: unknown.
Comment: This variant is considered benign. This variant is a silent/synonymous amino acid change and it is not expected to impact splicing.

Center for Genomic Medicine, Rigshospitalet, Copenhagen University Hospital
Classification: Likely benign. Last evaluated: 2025-03-04. Review status: criteria provided, single submitter. Criteria: ACMG Guidelines, 2015. Collection method: clinical testing. Allele origin: germline.

KCCC/NGS Laboratory, Kuwait Cancer Control Center
Classification: Benign for Myhre syndrome. Last evaluated: 2025-02-01. Review status: criteria provided, single submitter. Criteria: ACMG Guidelines, 2015. Collection method: clinical testing. Allele origin: germline. Affected: no.

Blueprint Genetics
Classification: Likely benign. Last evaluated: 2024-11-28. Review status: criteria provided, single submitter. Criteria: ACMG Guidelines, 2015. Collection method: clinical testing. Allele origin: germline.

Molecular Diagnostics Laboratory, Catalan Institute of Oncology
Classification: Likely benign for Hereditary cancer-predisposing syndrome. Last evaluated: 2024-11-13. Review status: criteria provided, single submitter. Criteria: ACMG Guidelines, 2015. Collection method: clinical testing. Allele origin: germline.
Comment: BS2_Supporting, BP4, BP7 c.354G>A located in exon 11 of the SMAD4 gene affects a non-conserved nucleotide, resulting in no amino acid change, p.(Ala464=) (BP7). This variant allele was found in 540/118134 alleles (3 homozygotes), with a filtered allele frequency of 0.41% at 99% confidence, within the European (non-Finnish) population in the gnomAD v2.1.1 database (non-cancer data set) (BS2_Supporting). The SpliceAI algorithm predicts no significant impact on splicing (BP4). To our knowledge, no well-established functional studies have been reported for this variant. This variant has been reported in controls and patients affected with multiple adenomatous polyposis, early-onset colorectal cancer, juvenile polyposis syndrome, endometrial cancer and AFAP (PMID: 22875147, 16436638, internal data). It has been reported in the ClinVar database (12x benign and 10x likely benign) and in the LOVD database (2x benign and 3x likely benign). Based on currently available information, the variant c.354G>A should be considered a likely benign variant.

Quest Diagnostics Nichols Institute San Juan Capistrano
Classification: Benign. Last evaluated: 2022-07-08. Review status: criteria provided, single submitter. Criteria: Quest Diagnostics criteria. Collection method: clinical testing. Allele origin: unknown.

Sema4
Classification: Benign for Hereditary cancer-predisposing syndrome. Last evaluated: 2020-03-23. Review status: criteria provided, single submitter. Criteria: Sema4 Curation Guidelines. Collection method: curation. Allele origin: germline.

Genetic Services Laboratory, University of Chicago
Classification: Benign. Last evaluated: 2018-07-25. Review status: criteria provided, single submitter. Criteria: ACMG Guidelines, 2015. Collection method: clinical testing. Allele origin: germline. Affected: no.

Illumina Laboratory Services, Illumina
Classification: Benign for Juvenile polyposis/hereditary hemorrhagic telangiectasia syndrome. Last evaluated: 2018-01-13. Review status: criteria provided, single submitter. Criteria: ICSL Variant Classification Criteria 13 December 2019. Collection method: clinical testing. Allele origin: germline.
Comment: This variant was observed in the ICSL laboratory as part of a predisposition screen in an ostensibly healthy population. It had not been previously curated by ICSL or reported in the Human Gene Mutation Database (HGMD: prior to June 1st, 2018), and was therefore a candidate for classification through an automated scoring system. Utilizing variant allele frequency, disease prevalence and penetrance estimates, and inheritance mode, an automated score was calculated to assess if this variant is too frequent to cause the disease. Based on the score and internal cut-off values, a variant classified as benign is not then subjected to further curation. The score for this variant resulted in a classification of benign for this disease.

Illumina Laboratory Services, Illumina
Classification: Benign for Juvenile polyposis syndrome. Last evaluated: 2018-01-13. Review status: criteria provided, single submitter. Criteria: ICSL Variant Classification Criteria 13 December 2019. Collection method: clinical testing. Allele origin: germline.
Comment: the same text as in the submission from Illumina Laboratory Services, Illumina above.

Illumina Laboratory Services, Illumina
Classification: Benign for Myhre syndrome. Last evaluated: 2018-01-13. Review status: criteria provided, single submitter. Criteria: ICSL Variant Classification Criteria 13 December 2019. Collection method: clinical testing. Allele origin: germline.
Comment: the same text as in the submission from Illumina Laboratory Services, Illumina above.

PreventionGenetics, part of Exact Sciences
Classification: Likely benign. Last evaluated: 2016-07-15. Review status: criteria provided, single submitter. Criteria: ACMG Guidelines, 2015. Collection method: clinical testing. Allele origin: germline.

Color Diagnostics, LLC DBA Color Health
Classification: Likely benign for Hereditary cancer-predisposing syndrome. Last evaluated: 2016-03-09. Review status: criteria provided, single submitter. Criteria: ACMG Guidelines, 2015. Collection method: clinical testing. Allele origin: germline.

Ambry Genetics
Classification: Likely benign for Hereditary cancer-predisposing syndrome; Familial thoracic aortic aneurysm and aortic dissection. Last evaluated: 2014-07-24. Review status: criteria provided, single submitter. Criteria: Ambry Variant Classification Scheme 2023. Collection method: clinical testing. Allele origin: germline.

GeneDx
Classification: Benign. Last evaluated: 2014-01-08. Review status: criteria provided, single submitter. Criteria: GeneDx Variant Classification (06012015). Collection method: clinical testing. Allele origin: germline. Affected: yes.
Comment: This variant is considered likely benign or benign based on one or more of the following criteria: it is a conservative change, it occurs at a poorly conserved position in the protein, it is predicted to be benign by multiple in silico algorithms, and/or has population frequency not consistent with disease.

True Health Diagnostics
Classification: Likely benign for Hereditary cancer-predisposing syndrome. Last evaluated: 2017-12-08. Review status: no assertion criteria provided. Collection method: clinical testing. Allele origin: germline. Not counted in ClinVar's aggregate classification.

Clinical Genetics DNA and cytogenetics Diagnostics Lab, Erasmus MC, Erasmus Medical Center
Classification: Likely benign. Review status: no assertion criteria provided. Collection method: clinical testing. Allele origin: germline. Affected: yes. Study: VKGL Data-share Consensus. Not counted in ClinVar's aggregate classification.

Clinical Genetics, Academic Medical Center
Classification: Benign. Review status: no assertion criteria provided. Collection method: clinical testing. Allele origin: germline. Affected: yes. Study: VKGL Data-share Consensus. Not counted in ClinVar's aggregate classification.

NM_005359.6(SMAD4):c.354G>A (p.Ala118=)

Gene: SMAD4 (SMAD family member 4; plus strand). Cytogenetic location: 18q21.2.
Variant type: single nucleotide variant.
Coding change: c.354G>A on transcript NM_005359.6 (MANE Select); coding-DNA position 354, G replaced by A.
Protein change: p.Ala118=; no amino-acid change (alanine 118 retained).
Molecular consequence: synonymous variant.
Genome position (GRCh38, 1-based): chr18:51,048,790, G>A. VCF-style: chr18-51048790-G-A. GRCh37 (hg19) VCF-style: chr18-48575160-G-A.
Other names: p.A118A:GCG>GCA.
Identifiers: ClinVar variation 24799 (VCV000024799.96), dbSNP rs145988618, ClinGen allele CA293626.